The following is an entry in ClinVar:

NM_198586.3(NHLRC1):c.1008A>G (p.Ala336=)

Gene: NHLRC1 (NHL repeat containing E3 ubiquitin protein ligase 1; minus strand). Cytogenetic location: 6p22.3.
Variant type: single nucleotide variant.
Coding change: c.1008A>G on transcript NM_198586.3 (MANE Select); coding-DNA position 1008, A replaced by G.
Protein change: p.Ala336=; no amino-acid change (alanine 336 retained).
Molecular consequence: synonymous variant.
Genome position (GRCh38, 1-based): chr6:18,121,599, T>C on the plus strand (A>G on the coding strand, the complement: NHLRC1 is on the minus strand). VCF-style: chr6-18121599-T-C. GRCh37 (hg19) VCF-style: chr6-18121830-T-C.
Identifiers: ClinVar variation 2125957 (VCV002125957.1), dbSNP rs2533895574, ClinGen allele CA448958120.
Genomic context (GRCh38, chr6:18,121,599, plus strand): 5'-CTTCGGTACTGGAAACTCCTCAGGTTTTCCTAAGCAAAGGATAGCTGGACCAGATGTATC[T>C]GCAACAATCACATTTCCCTGGTGATCAAAGGTCACAGCGGAGGCAGTTATTTTGGAGGGA-3'
Protein context (NP_940988.2, residues 326-346): TFDHQGNVIV[Ala336=]DTSGPAILCL

ClinVar aggregate classification (germline): Uncertain significance (1 of 4 stars; one submission).

Conditions:
Lafora disease. Also called: Epilepsy progressive myoclonic 2. Identifiers: Orphanet 501, MedGen C0751783, MONDO:0009697.

Submission:

Labcorp Genetics (formerly Invitae), Labcorp
Classification: Uncertain significance for Lafora disease. Last evaluated: 2022-04-13. Review status: criteria provided, single submitter. Criteria: Invitae Variant Classification Sherloc (09022015). Collection method: clinical testing. Allele origin: germline.
Comment: This sequence change affects codon 336 of the NHLRC1 mRNA. It is a 'silent' change, meaning that it does not change the encoded amino acid sequence of the NHLRC1 protein. This variant is not present in population databases (gnomAD no frequency). This variant has not been reported in the literature in individuals affected with NHLRC1-related conditions. In summary, the available evidence is currently insufficient to determine the role of this variant in disease. Therefore, it has been classified as a Variant of Uncertain Significance.